The following is an entry in ClinVar:

ClinVar aggregate classification (germline): Uncertain significance. Review status: criteria provided, multiple submitters, no conflicts (2 of 4 stars). 3 submissions from 3 submitters: Uncertain significance (3). Last evaluated 2025-01-07.

Conditions:
Inborn genetic diseases. Identifiers: MedGen C0950123, MeSH D030342.
Pseudohypoaldosteronism type 2C (PHA2C). Also called: Pseudohypoaldosteronism Type IIC. Identifiers: Orphanet 757, Orphanet 88940, MedGen C1840391, MONDO:0013778, OMIM 614492.
Neuropathy, hereditary sensory and autonomic, type 2A (HSAN2A). Also called: ACROOSTEOLYSIS, GIACCAI TYPE; ACROOSTEOLYSIS, NEUROGENIC; MORVAN DISEASE; NEUROPATHY, CONGENITAL SENSORY; NEUROPATHY, HEREDITARY SENSORY RADICULAR, AUTOSOMAL RECESSIVE; NEUROPATHY, HEREDITARY SENSORY, TYPE IIA. Identifiers: Orphanet 970, MedGen C2752089, MONDO:0024309, OMIM 201300.

Allele frequency attached by ClinVar (database versions not stated): ExAC 0.00002; gnomAD 0.00003 and 0.00004; TOPMed 0.00003; gnomAD exomes 0.00004.
gnomAD v4.1: 43 of 1,613,932 alleles (0.0027%); highest among the groups gnomAD compares: Non-Finnish European, 0.0035%; no homozygotes.

Submissions (3):

Labcorp Genetics (formerly Invitae), Labcorp
Classification: Uncertain significance for Neuropathy, hereditary sensory and autonomic, type 2A; Pseudohypoaldosteronism type 2C. Last evaluated: 2025-01-07. Review status: criteria provided, single submitter. Criteria: Invitae Variant Classification Sherloc (09022015). Collection method: clinical testing. Allele origin: germline.
Comment: This sequence change replaces valine, which is neutral and non-polar, with phenylalanine, which is neutral and non-polar, at codon 885 of the WNK1 protein (p.Val885Phe). This variant is present in population databases (rs769092053, gnomAD 0.008%). This variant has not been reported in the literature in individuals affected with WNK1-related conditions. ClinVar contains an entry for this variant (Variation ID: 860137). Invitae Evidence Modeling of protein sequence and biophysical properties (such as structural, functional, and spatial information, amino acid conservation, physicochemical variation, residue mobility, and thermodynamic stability) indicates that this missense variant is not expected to disrupt WNK1 protein function with a negative predictive value of 95%. In summary, the available evidence is currently insufficient to determine the role of this variant in disease. Therefore, it has been classified as a Variant of Uncertain Significance.

Athena Diagnostics
Classification: Uncertain significance. Last evaluated: 2022-09-20. Review status: criteria provided, single submitter. Criteria: Athena Diagnostics Criteria. Collection method: clinical testing. Allele origin: unknown.
Comment: Available data are insufficient to determine the clinical significance of the variant at this time. The frequency of this variant in the general population is uninformative in assessment of its pathogenicity. Computational tools predict that this variant is not damaging.

Ambry Genetics
Classification: Uncertain significance for Inborn genetic diseases. Last evaluated: 2021-03-02. Review status: criteria provided, single submitter. Criteria: Ambry Variant Classification Scheme 2023. Collection method: clinical testing. Allele origin: germline.
Comment: The p.V885F variant (also known as c.2653G>T), located in coding exon 10 of the WNK1 gene, results from a G to T substitution at nucleotide position 2653. The valine at codon 885 is replaced by phenylalanine, an amino acid with highly similar properties. This amino acid position is well conserved in available vertebrate species. In addition, this alteration is predicted to be tolerated by in silico analysis. Since supporting evidence is limited at this time, the clinical significance of this alteration remains unclear.

NM_213655.5(WNK1):c.2653G>T (p.Val885Phe)

Gene: WNK1 (WNK lysine deficient protein kinase 1; plus strand). Cytogenetic location: 12p13.33.
Variant type: single nucleotide variant.
Coding change: c.2653G>T on transcript NM_213655.5 (MANE Plus Clinical); coding-DNA position 2653, G replaced by T.
Protein change: p.Val885Phe; replaces valine 885 with phenylalanine.
Molecular consequence: missense variant. On other transcripts: intron variant (2).
Genome position (GRCh38, 1-based): chr12:868,124, G>T. VCF-style: chr12-868124-G-T. GRCh37 (hg19) VCF-style: chr12-977290-G-T.
Other names: c.2398G>T, p.Val800Phe (NM_001184985.2); c.2140-3141G>T (NM_018979.4, NM_014823.3); c.2398G>T (NM_001184985.1); short protein forms V800F, V885F.
Identifiers: ClinVar variation 860137 (VCV000860137.10), dbSNP rs769092053, ClinGen allele CA6382219.